The following is an entry in ClinVar:

NM_017534.6(MYH2):c.1549G>A (p.Gly517Arg)

Genes: MYH2 (myosin heavy chain 2; minus strand), MYHAS (myosin heavy chain gene cluster antisense RNA; plus strand). Cytogenetic location: 17p13.1.
Variant type: single nucleotide variant.
Coding change: c.1549G>A on transcript NM_017534.6 (MANE Select); coding-DNA position 1549, G replaced by A.
Protein change: p.Gly517Arg; replaces glycine 517 with arginine.
Molecular consequence: missense variant.
Genome position (GRCh38, 1-based): chr17:10,537,703, C>T on the plus strand (G>A on the coding strand, the complement: MYH2 is on the minus strand). VCF-style: chr17-10537703-C-T. GRCh37 (hg19) VCF-style: chr17-10441020-C-T.
Other names: c.1549G>A, p.Gly517Arg (NM_001100112.2); short protein forms G517R.
Identifiers: ClinVar variation 2030187 (VCV002030187.4), dbSNP rs780765622, ClinGen allele CA8391349.
Genomic context (GRCh38, chr17:10,537,703, plus strand): 5'-GTTTCAGAAATGCAAAACCAACCTTCTCGATGAGCTCGATGCAGGCAGCCAGGTCCATCC[C>T]GAAGTCGATGAACGTCCACTCGATGCCTTCCTTCTTGTACTCCTCCTGCTCCAGCACGAA-3'
Protein context (NP_060004.3, residues 507-527): EGIEWTFIDF[Gly517Arg]MDLAACIELI

ClinVar aggregate classification (germline): Uncertain significance (1 of 4 stars; one submission).

Conditions:
Myopathy, proximal, and ophthalmoplegia (CMYO6). Also called: INCLUSION BODY MYOPATHY 3, AUTOSOMAL DOMINANT; CONGENITAL MYOPATHY 6 WITH OPHTHALMOPLEGIA; MYOPATHY WITH CONGENITAL JOINT CONTRACTURES, OPHTHALMOPLEGIA, AND RIMMED VACUOLES. Identifiers: Orphanet 363677, Orphanet 79091, MedGen C1854106, MONDO:0011577, OMIM 605637.

Allele frequency attached by ClinVar (database versions not stated): ExAC 0.00001; gnomAD 0.00001; gnomAD exomes 0.00001; TOPMed 0.00001.
gnomAD v4.1: 19 of 1,614,042 alleles (0.0012%); highest among the groups gnomAD compares: African/African-American, 0.0027%; no homozygotes.

Submission:

Labcorp Genetics (formerly Invitae), Labcorp
Classification: Uncertain significance for Myopathy, proximal, and ophthalmoplegia. Last evaluated: 2025-10-01. Review status: criteria provided, single submitter. Criteria: Invitae Variant Classification Sherloc (09022015). Collection method: clinical testing. Allele origin: germline.
Comment: This sequence change replaces glycine, which is neutral and non-polar, with arginine, which is basic and polar, at codon 517 of the MYH2 protein (p.Gly517Arg). This variant is present in population databases (rs780765622, gnomAD 0.006%). This variant has not been reported in the literature in individuals affected with MYH2-related conditions. ClinVar contains an entry for this variant (Variation ID: 2030187). Invitae Evidence Modeling of protein sequence and biophysical properties (such as structural, functional, and spatial information, amino acid conservation, physicochemical variation, residue mobility, and thermodynamic stability) indicates that this missense variant is expected to disrupt MYH2 protein function with a positive predictive value of 80%. In summary, the available evidence is currently insufficient to determine the role of this variant in disease. Therefore, it has been classified as a Variant of Uncertain Significance.